The following is an entry in ClinVar:

ClinVar aggregate classification (germline): Uncertain significance (1 of 4 stars; one submission).

Allele frequency attached by ClinVar (database versions not stated): gnomAD exomes below 0.00001.
gnomAD v4.1: 1 of 1,603,318 alleles (0.000062%); highest among the groups gnomAD compares: African/African-American, 0.0013%; no homozygotes.

Submission:

Labcorp Genetics (formerly Invitae), Labcorp
Classification: Uncertain significance. Last evaluated: 2023-12-21. Review status: criteria provided, single submitter. Criteria: Invitae Variant Classification Sherloc (09022015). Collection method: clinical testing. Allele origin: germline.
Comment: This sequence change replaces proline, which is neutral and non-polar, with arginine, which is basic and polar, at codon 1567 of the RIMS1 protein (p.Pro1567Arg). This variant is not present in population databases (gnomAD no frequency). This variant has not been reported in the literature in individuals affected with RIMS1-related conditions. ClinVar contains an entry for this variant (Variation ID: 1715361). An algorithm developed to predict the effect of missense changes on protein structure and function (PolyPhen-2) suggests that this variant is likely to be disruptive. In summary, the available evidence is currently insufficient to determine the role of this variant in disease. Therefore, it has been classified as a Variant of Uncertain Significance.

NM_014989.7(RIMS1):c.4700C>G (p.Pro1567Arg)

Gene: RIMS1 (regulating synaptic membrane exocytosis 1; plus strand). Cytogenetic location: 6q13.
Variant type: single nucleotide variant.
Coding change: c.4700C>G on transcript NM_014989.7 (MANE Select); coding-DNA position 4700, C replaced by G.
Protein change: p.Pro1567Arg; replaces proline 1567 with arginine.
Molecular consequence: missense variant.
Genome position (GRCh38, 1-based): chr6:72,398,330, C>G. VCF-style: chr6-72398330-C-G. GRCh37 (hg19) VCF-style: chr6-73108032-C-G.
Other names: c.2102C>G, p.Pro701Arg (NM_001168410.2); c.281C>G, p.Pro94Arg (NM_001168411.2); c.2621C>G, p.Pro874Arg (NM_001350414.2); c.2717C>G, p.Pro906Arg (NM_001350415.2); c.2666C>G, p.Pro889Arg (NM_001350416.2); c.2147C>G, p.Pro716Arg (NM_001350417.2); c.2639C>G, p.Pro880Arg (NM_001350418.2); c.1919C>G, p.Pro640Arg (NM_001350419.2); and 54 more; short protein forms P1567R, P611R, P635R, P640R, P641R, P661R, P664R, P665R.
Identifiers: ClinVar variation 1715361 (VCV001715361.5), dbSNP rs1305139241, ClinGen allele CA364820758.
Genomic context (GRCh38, chr6:72,398,330, plus strand): 5'-AGGACAAAAAGGGCCAATTAGAAGTGGAAGTCATTAGAGCACGAAGCCTCACACAAAAGC[C>G]TGGTTCCAAATCTACACCTGGTAAGGAGAAGTATTCCTGAATTTGGTGAAGGGACTATTT-3'
Protein context (NP_055804.2, residues 1557-1577): VIRARSLTQK[Pro1567Arg]GSKSTPAPYV